The following is an entry in ClinVar:

ClinVar aggregate classification (germline): Uncertain significance (1 of 4 stars; one submission).

gnomAD v4.1: 4 of 1,535,368 alleles (0.00026%); highest among the groups gnomAD compares: African/African-American, 0.0014%; no homozygotes.

Submission:

Women's Health and Genetics/Laboratory Corporation of America, LabCorp
Classification: Uncertain significance. Last evaluated: 2025-07-29. Review status: criteria provided, single submitter. Criteria: LabCorp Variant Classification Summary - May 2015. Collection method: clinical testing. Allele origin: germline.
Comment: Variant summary: PBX1 c.*2745G>A is located in the untranslated mRNA region downstream of the termination codon. The variant was absent in 130850 control chromosomes. The available data on variant occurrences in the general population are insufficient to allow any conclusion about variant significance. To our knowledge, no occurrence of c.*2745G>A in individuals affected with Congenital Anomalies Of Kidney And Urinary Tract Syndrome With Or Without Hearing Loss, Abnormal Ears, Or Developmental Delay and no experimental evidence demonstrating its impact on protein function have been reported. No submitters have cited clinical-significance assessments for this variant to ClinVar. Based on the evidence outlined above, the variant was classified as uncertain significance.

NM_002585.4(PBX1):c.*2745G>A

Gene: PBX1 (PBX homeobox 1; plus strand). Cytogenetic location: 1q23.3.
Variant type: single nucleotide variant.
Coding change: c.*2745G>A on transcript NM_002585.4 (MANE Select); 2745 bases downstream of the stop codon, G replaced by A.
Molecular consequence: 3 prime UTR variant. On other transcripts: intron variant (1).
Genome position (GRCh38, 1-based): chr1:164,849,421, G>A. VCF-style: chr1-164849421-G-A. GRCh37 (hg19) VCF-style: chr1-164818658-G-A.
Other names: c.*2881G>A (NM_001204961.2); c.*19G>A (NM_001204963.2); c.*2745G>A (NM_001353130.1); c.*43+27795G>A (NM_001353131.2).
Identifiers: ClinVar variation 4526003 (VCV004526003.1).